The following is an entry in ClinVar:

NM_018685.5(ANLN):c.116G>A (p.Arg39Gln)

Gene: ANLN (anillin, actin binding protein; plus strand). Cytogenetic location: 7p14.2.
Variant type: single nucleotide variant.
Coding change: c.116G>A on transcript NM_018685.5 (MANE Select); coding-DNA position 116, G replaced by A.
Protein change: p.Arg39Gln; replaces arginine 39 with glutamine.
Molecular consequence: missense variant.
Genome position (GRCh38, 1-based): chr7:36,396,363, G>A. VCF-style: chr7-36396363-G-A. GRCh37 (hg19) VCF-style: chr7-36435972-G-A.
Other names: c.116G>A, p.Arg39Gln (NM_001284301.3, NM_001284302.3); c.116G>A (NM_018685.2); short protein forms R39Q.
Identifiers: ClinVar variation 2715693 (VCV002715693.5), dbSNP rs555242135, ClinGen allele CA4219263.

ClinVar aggregate classification (germline): Uncertain significance. Review status: criteria provided, multiple submitters, no conflicts (2 of 4 stars). 3 submissions from 3 submitters: Uncertain significance (3). Last evaluated 2026-07-07.

Conditions:
Focal segmental glomerulosclerosis 8 (FSGS8). Identifiers: Orphanet 656, MedGen C4014993, MONDO:0014462, OMIM 616032.

Allele frequency attached by ClinVar (database versions not stated): TOPMed below 0.00001; gnomAD 0.00001; gnomAD exomes 0.00002; ExAC 0.00006; 1000 Genomes Project 30x 0.00016; 1000 Genomes Project 0.00020.
gnomAD v4.1: 25 of 1,604,656 alleles (0.0016%); highest among the groups gnomAD compares: South Asian, 0.021%; no homozygotes.

Submissions (3):

Medgenome Labs Ltd
Classification: Uncertain significance for Focal segmental glomerulosclerosis 8. Last evaluated: 2026-07-07. Review status: criteria provided, single submitter. Criteria: ACMG Guidelines, 2015. Collection method: clinical testing. Allele origin: germline. Affected: yes.

Labcorp Genetics (formerly Invitae), Labcorp
Classification: Uncertain significance. Last evaluated: 2023-12-09. Review status: criteria provided, single submitter. Criteria: Invitae Variant Classification Sherloc (09022015). Collection method: clinical testing. Allele origin: germline.
Comment: This sequence change replaces arginine, which is basic and polar, with glutamine, which is neutral and polar, at codon 39 of the ANLN protein (p.Arg39Gln). This variant is present in population databases (rs555242135, gnomAD 0.02%). This variant has not been reported in the literature in individuals affected with ANLN-related conditions. An algorithm developed to predict the effect of missense changes on protein structure and function (PolyPhen-2) suggests that this variant is likely to be disruptive. In summary, the available evidence is currently insufficient to determine the role of this variant in disease. Therefore, it has been classified as a Variant of Uncertain Significance.

Ambry Genetics
Classification: Uncertain significance. Last evaluated: 2023-10-05. Review status: criteria provided, single submitter. Criteria: Ambry Variant Classification Scheme 2023. Collection method: clinical testing. Allele origin: germline.